The following is an entry in ClinVar:

NM_002227.4(JAK1):c.2049C>T (p.Ser683=)

Gene: JAK1 (Janus kinase 1; minus strand). Cytogenetic location: 1p31.3.
Variant type: single nucleotide variant.
Coding change: c.2049C>T on transcript NM_002227.4 (MANE Select); coding-DNA position 2049, C replaced by T.
Protein change: p.Ser683=; no amino-acid change (serine 683 retained).
Molecular consequence: synonymous variant.
Genome position (GRCh38, 1-based): chr1:64,845,579, G>A on the plus strand (C>T on the coding strand, the complement: JAK1 is on the minus strand). VCF-style: chr1-64845579-G-A. GRCh37 (hg19) VCF-style: chr1-65311262-G-A.
Other names: p.Ser683=; c.2049C>T, p.Ser683= (NM_001320923.2, NM_001321852.2, NM_001321853.2 and 3 more transcripts); c.2046C>T, p.Ser682= (NM_001321857.2); c.2049C>T (NM_002227.3).
Identifiers: ClinVar variation 1169783 (VCV001169783.17), dbSNP rs2230587, ClinGen allele CA892761.

ClinVar aggregate classification (germline): Benign/Likely benign. Review status: criteria provided, multiple submitters, no conflicts (2 of 4 stars). 6 submissions from 6 submitters: Benign (4); Likely benign (1). 1 of the submissions does not count toward it. Last evaluated 2026-02-04.

Conditions:
JAK1-related disorder. Also called: JAK1-related condition.

Allele frequency attached by ClinVar (database versions not stated): gnomAD exomes 0.12858 and 0.15019; ESP Exome Variant Server 0.13555; gnomAD 0.15019 and 0.15125; ExAC 0.15068; TOPMed 0.15741; 1000 Genomes Project 30x 0.19706; 1000 Genomes Project 0.19828.
gnomAD v4.1: 212,027 of 1,613,782 alleles (13%); highest among the groups gnomAD compares: East Asian, 30%; 15,107 homozygotes.

Submissions (10):

Labcorp Genetics (formerly Invitae), Labcorp
Classification: Benign. Last evaluated: 2026-02-04. Review status: criteria provided, single submitter. Criteria: Invitae Variant Classification Sherloc (09022015). Collection method: clinical testing. Allele origin: germline.

Blueprint Genetics
Classification: Likely benign. Last evaluated: 2024-11-26. Review status: criteria provided, single submitter. Criteria: ACMG Guidelines, 2015. Collection method: clinical testing. Allele origin: germline.

Unidad de Genómica Garrahan, Hospital de Pediatría Garrahan
Classification: Benign. Last evaluated: 2023-11-12. Review status: criteria provided, single submitter. Criteria: ACMG Guidelines, 2015. Collection method: clinical testing. Allele origin: germline. Affected: no. Observed: 25 variant alleles.
Comment: This variant is classified as Benign based on local population frequency. This variant was detected in 26% of patients studied by a panel of primary immunodeficiencies. Number of patients: 25. Only high quality variants are reported.

Mayo Clinic Laboratories, Mayo Clinic
Classification: Benign. Last evaluated: 2022-09-06. Review status: criteria provided, single submitter. Criteria: ACMG Guidelines, 2015. Collection method: clinical testing. Allele origin: germline. Observed: 136 variant alleles.

Breakthrough Genomics
Classification: Benign. Review status: criteria provided, single submitter. Criteria: ACMG Guidelines, 2015. Collection method: not provided. Allele origin: germline. Inheritance: Autosomal dominant inheritance. Affected: yes.

PreventionGenetics, part of Exact Sciences
Classification: Benign for JAK1-related condition. Last evaluated: 2019-07-08. Review status: no assertion criteria provided. Collection method: clinical testing. Allele origin: germline. Not counted in ClinVar's aggregate classification.
Comment: This variant is classified as benign based on ACMG/AMP sequence variant interpretation guidelines (Richards et al. 2015 PMID: 25741868, with internal and published modifications).

Dr. Peter K. Rogan Lab, Western University
No classification provided (evidence only). Condition: Malignant lymphoma, large B-cell, diffuse. Review status: no classification provided. Collection method: in vitro. Allele origin: not applicable. Functional consequence: retained intron. Not counted in ClinVar's aggregate classification.

Dr. Peter K. Rogan Lab, Western University
No classification provided (evidence only). Condition: Malignant lymphoma, large B-cell, diffuse. Review status: no classification provided. Collection method: in vitro. Allele origin: not applicable. Functional consequence: retained intron. Not counted in ClinVar's aggregate classification.

Dr. Peter K. Rogan Lab, Western University
No classification provided (evidence only). Condition: Malignant lymphoma, large B-cell, diffuse. Review status: no classification provided. Collection method: in vitro. Allele origin: not applicable. Functional consequence: retained intron. Not counted in ClinVar's aggregate classification.

Dr. Peter K. Rogan Lab, Western University
No classification provided (evidence only). Condition: Cholangiocarcinoma. Review status: no classification provided. Collection method: in vitro. Allele origin: not applicable. Functional consequence: retained intron. Not counted in ClinVar's aggregate classification.